The following is an entry in ClinVar:

ClinVar aggregate classification (germline): Uncertain significance (1 of 4 stars; one submission).

Conditions:
Cranioectodermal dysplasia 2 (CED2). Identifiers: Orphanet 1515, MedGen C3150874, MONDO:0013323, OMIM 613610.
Short-rib thoracic dysplasia 7 with or without polydactyly (SRTD7). Also called: Short rib polydactyly syndrome 5; SHORT-RIB THORACIC DYSPLASIA 7 WITH POLYDACTYLY. Identifiers: Orphanet 498497, Orphanet 93271, MedGen C3279792, MONDO:0013569, OMIM 614091.

Allele frequency attached by ClinVar (database versions not stated): gnomAD 0.00001; gnomAD exomes 0.00002 and 0.00005; ExAC 0.00007; 1000 Genomes Project 30x 0.00016; 1000 Genomes Project 0.00020.
gnomAD v4.1: 31 of 1,613,882 alleles (0.0019%); highest among the groups gnomAD compares: South Asian, 0.034%; no homozygotes.

Submission:

Labcorp Genetics (formerly Invitae), Labcorp
Classification: Uncertain significance for Cranioectodermal dysplasia 2; Short-rib thoracic dysplasia 7 with or without polydactyly. Last evaluated: 2023-07-07. Review status: criteria provided, single submitter. Criteria: Invitae Variant Classification Sherloc (09022015). Collection method: clinical testing. Allele origin: germline.
Comment: ClinVar contains an entry for this variant (Variation ID: 538842). This variant has not been reported in the literature in individuals affected with WDR35-related conditions. This variant is present in population databases (rs201443916, gnomAD 0.04%). This sequence change replaces methionine, which is neutral and non-polar, with isoleucine, which is neutral and non-polar, at codon 871 of the WDR35 protein (p.Met871Ile). Advanced modeling of protein sequence and biophysical properties (such as structural, functional, and spatial information, amino acid conservation, physicochemical variation, residue mobility, and thermodynamic stability) performed at Invitae indicates that this missense variant is not expected to disrupt WDR35 protein function. In summary, the available evidence is currently insufficient to determine the role of this variant in disease. Therefore, it has been classified as a Variant of Uncertain Significance.

NM_020779.4(WDR35):c.2580G>A (p.Met860Ile)

Genes: WDR35 (WD repeat domain 35; minus strand), LOC129933186 (ATAC-STARR-seq lymphoblastoid active region 15370; plus strand). Cytogenetic location: 2p24.1.
Variant type: single nucleotide variant.
Coding change: c.2580G>A on transcript NM_020779.4 (MANE Select); coding-DNA position 2580, G replaced by A.
Protein change: p.Met860Ile; replaces methionine 860 with isoleucine.
Molecular consequence: missense variant.
Genome position (GRCh38, 1-based): chr2:19,933,479, C>T on the plus strand (G>A on the coding strand, the complement: WDR35 is on the minus strand). VCF-style: chr2-19933479-C-T. GRCh37 (hg19) VCF-style: chr2-20133240-C-T.
Other names: c.2613G>A, p.Met871Ile (NM_001006657.2); short protein forms M871I, M860I.
Identifiers: ClinVar variation 538842 (VCV000538842.8), dbSNP rs201443916, ClinGen allele CA1542904.